The following is an entry in ClinVar:

NM_000284.4(PDHA1):c.133C>G (p.Arg45Gly)

Gene: PDHA1 (pyruvate dehydrogenase E1 subunit alpha 1; plus strand). Cytogenetic location: Xp22.12.
Variant type: single nucleotide variant.
Coding change: c.133C>G on transcript NM_000284.4 (MANE Select); coding-DNA position 133, C replaced by G.
Protein change: p.Arg45Gly; replaces arginine 45 with glycine.
Molecular consequence: missense variant.
Genome position (GRCh38, 1-based): chrX:19,349,952, C>G. VCF-style: chrX-19349952-C-G. GRCh37 (hg19) VCF-style: chrX-19368070-C-G.
Other names: c.247C>G, p.Arg83Gly (NM_001173454.2); c.133C>G, p.Arg45Gly (NM_001173455.2, NM_001173456.2); short protein forms R45G, R83G.
Identifiers: ClinVar variation 2572228 (VCV002572228.1), dbSNP rs1468982229, ClinGen allele CA412389675.

ClinVar aggregate classification (germline): Uncertain significance (1 of 4 stars; one submission).

Submission:

Greenwood Genetic Center Diagnostic Laboratories, Greenwood Genetic Center
Classification: Uncertain significance. Last evaluated: 2023-05-18. Review status: criteria provided, single submitter. Criteria: ACMG Guidelines, 2015. Collection method: clinical testing. Allele origin: germline. Affected: yes.
Comment: PS3_Supporting, PM2